The following is an entry in ClinVar:

NM_130839.5(UBE3A):c.305A>G (p.Asn102Ser)

Genes: SNHG14 (small nucleolar RNA host gene 14; plus strand), UBE3A (ubiquitin protein ligase E3A; minus strand). Cytogenetic location: 15q11.2.
Variant type: single nucleotide variant.
Coding change: c.305A>G on transcript NM_130839.5 (MANE Select); coding-DNA position 305, A replaced by G.
Protein change: p.Asn102Ser; replaces asparagine 102 with serine.
Molecular consequence: missense variant. On other transcripts: non-coding transcript variant (1).
Genome position (GRCh38, 1-based): chr15:25,375,521, T>C on the plus strand (A>G on the coding strand, the complement: UBE3A is on the minus strand). VCF-style: chr15-25375521-T-C. GRCh37 (hg19) VCF-style: chr15-25620668-T-C.
Other names: c.314A>G, p.Asn105Ser (NM_000462.5); c.305A>G, p.Asn102Ser (NM_001354505.1, NM_001354538.2, NM_001354545.2 and 1 more transcripts); c.245A>G, p.Asn82Ser (NM_001354506.2, NM_001354507.2, NM_001354508.2 and 18 more transcripts); c.128A>G, p.Asn43Ser (NM_001354546.2); short protein forms N102S, N105S, N43S, N82S.
Identifiers: ClinVar variation 1202428 (VCV001202428.8), dbSNP rs201577750, ClinGen allele CA7435671.

ClinVar aggregate classification (germline): Uncertain significance. Review status: criteria provided, multiple submitters, no conflicts (2 of 4 stars). 2 submissions from 2 submitters: Uncertain significance (2). Last evaluated 2025-11-05.

Conditions:
Angelman syndrome (AS). Also called: HAPPY PUPPET SYNDROME. Identifiers: Orphanet 72, MedGen C0162635, MONDO:0007113, OMIM 105830. Disease mechanism: loss of function. Inheritance: AS is caused by disruption of maternally imprinted UBE3A located within the 15q11.2-q13 Angelman syndrome/Prader-Willi syndrome (AS/PWS) region., imprinting disorder.

Allele frequency attached by ClinVar (database versions not stated): gnomAD exomes 0.00001 and 0.00002; TOPMed 0.00001; ExAC 0.00002; gnomAD 0.00003; 1000 Genomes Project 30x 0.00016; 1000 Genomes Project 0.00020.

Submissions (2):

Labcorp Genetics (formerly Invitae), Labcorp
Classification: Uncertain significance for Angelman syndrome. Last evaluated: 2025-11-05. Review status: criteria provided, single submitter. Criteria: Invitae Variant Classification Sherloc (09022015). Collection method: clinical testing. Allele origin: germline.
Comment: This sequence change replaces asparagine, which is neutral and polar, with serine, which is neutral and polar, at codon 82 of the UBE3A protein (p.Asn82Ser). This variant is present in population databases (rs201577750, gnomAD 0.007%). This variant has not been reported in the literature in individuals affected with UBE3A-related conditions. ClinVar contains an entry for this variant (Variation ID: 1202428). Invitae Evidence Modeling of protein sequence and biophysical properties (such as structural, functional, and spatial information, amino acid conservation, physicochemical variation, residue mobility, and thermodynamic stability) has been performed for this missense variant. However, the output from this modeling did not meet the statistical confidence thresholds required to predict the impact of this variant on UBE3A protein function. In summary, the available evidence is currently insufficient to determine the role of this variant in disease. Therefore, it has been classified as a Variant of Uncertain Significance.

GeneDx
Classification: Uncertain significance. Last evaluated: 2020-02-20. Review status: criteria provided, single submitter. Criteria: GeneDx Variant Classification Process June 2021. Collection method: clinical testing. Allele origin: germline. Affected: yes.
Comment: Missense variants in this gene are often considered pathogenic (Stenson et al., 2014); In silico analysis supports that this missense variant does not alter protein structure/function; Has not been previously published as pathogenic or benign to our knowledge